The following is an entry in ClinVar:

ClinVar aggregate classification (germline): Uncertain significance. Review status: criteria provided, multiple submitters, no conflicts (2 of 4 stars). 2 submissions from 2 submitters: Uncertain significance (2). Last evaluated 2021-08-15.

Allele frequency attached by ClinVar (database versions not stated): gnomAD exomes below 0.00001.
gnomAD v4.1: 1 of 1,613,420 alleles (0.000062%); highest among the groups gnomAD compares: Non-Finnish European, 0.000085%; no homozygotes.

Submissions (2):

Blueprint Genetics
Classification: Uncertain significance. Last evaluated: 2021-08-15. Review status: criteria provided, single submitter. Criteria: ACMG Guidelines, 2015. Collection method: clinical testing. Allele origin: germline.

Labcorp Genetics (formerly Invitae), Labcorp
Classification: Uncertain significance. Last evaluated: 2020-10-21. Review status: criteria provided, single submitter. Criteria: Invitae Variant Classification Sherloc (09022015). Collection method: clinical testing. Allele origin: germline.
Comment: This variant has not been reported in the literature in individuals with COL9A3-related conditions. In summary, the available evidence is currently insufficient to determine the role of this variant in disease. Therefore, it has been classified as a Variant of Uncertain Significance. Advanced modeling of protein sequence and biophysical properties (such as structural, functional, and spatial information, amino acid conservation, physicochemical variation, residue mobility, and thermodynamic stability) performed at Invitae indicates that this missense variant is not expected to disrupt COL9A3 protein function. This variant is not present in population databases (ExAC no frequency). This sequence change replaces alanine with valine at codon 541 of the COL9A3 protein (p.Ala541Val). The alanine residue is highly conserved and there is a small physicochemical difference between alanine and valine.

NM_001853.4(COL9A3):c.1622C>T (p.Ala541Val)

Gene: COL9A3 (collagen type IX alpha 3 chain; plus strand). Cytogenetic location: 20q13.33.
Variant type: single nucleotide variant.
Coding change: c.1622C>T on transcript NM_001853.4 (MANE Select); coding-DNA position 1622, C replaced by T.
Protein change: p.Ala541Val; replaces alanine 541 with valine.
Molecular consequence: missense variant.
Genome position (GRCh38, 1-based): chr20:62,837,101, C>T. VCF-style: chr20-62837101-C-T. GRCh37 (hg19) VCF-style: chr20-61468453-C-T.
Other names: short protein forms A541V.
Identifiers: ClinVar variation 1018539 (VCV001018539.9), dbSNP rs1291260570, ClinGen allele CA409598999.